The following is an entry in ClinVar:

NM_007294.4(BRCA1):c.3959C>G (p.Ser1320Cys)

Genes: BRCA1 (BRCA1 DNA repair associated; minus strand), LOC126862571 (BRD4-independent group 4 enhancer GRCh37_chr17:41243136-41244335; plus strand). Cytogenetic location: 17q21.31.
Variant type: single nucleotide variant.
Coding change: c.3959C>G on transcript NM_007294.4 (MANE Select); coding-DNA position 3959, C replaced by G.
Protein change: p.Ser1320Cys; replaces serine 1320 with cysteine.
Molecular consequence: missense variant. On other transcripts: intron variant (135).
Genome position (GRCh38, 1-based): chr17:43,091,572, G>C on the plus strand (C>G on the coding strand, the complement: BRCA1 is on the minus strand). VCF-style: chr17-43091572-G-C. GRCh37 (hg19) VCF-style: chr17-41243589-G-C.
Other names: c.3746C>G, p.Ser1249Cys (NM_001407571.1, NM_001407853.1, NM_001407894.1 and 9 more transcripts); c.3959C>G, p.Ser1320Cys (NM_001407581.1, NM_001407582.1, NM_001407583.1 and 30 more transcripts); c.3956C>G, p.Ser1319Cys (NM_001407587.1, NM_001407590.1, NM_001407591.1 and 22 more transcripts); c.3950C>G, p.Ser1317Cys (NM_001407646.1, NM_001407647.1); c.3836C>G, p.Ser1279Cys (NM_001407648.1, NM_001407664.1, NM_001407665.1 and 19 more transcripts); c.3833C>G, p.Ser1278Cys (NM_001407649.1, NM_001407670.1, NM_001407671.1 and 11 more transcripts); c.3881C>G, p.Ser1294Cys (NM_001407653.1, NM_001407654.1, NM_001407655.1 and 4 more transcripts); c.3878C>G, p.Ser1293Cys (NM_001407659.1, NM_001407660.1, NM_001407661.1 and 1 more transcripts); and 41 more; short protein forms S1273C, S1320C, S1232C, S1252C, S1279C, S452C, S1192C, S1253C.
Identifiers: ClinVar variation 1042860 (VCV001042860.21), dbSNP rs2053494663, ClinGen allele CA10594045.

ClinVar aggregate classification (germline): Conflicting classifications of pathogenicity. Review status: criteria provided, conflicting classifications (1 of 4 stars). 3 submissions from 3 submitters: Uncertain significance (2); Likely benign (1). Last evaluated 2025-09-24.

Conditions:
Hereditary cancer-predisposing syndrome. Also called: Hereditary Cancer Syndrome; Tumor predisposition; Hereditary neoplastic syndrome; Neoplastic Syndromes, Hereditary. Identifiers: Orphanet 140162, MedGen C0027672, MeSH D009386, MONDO:0015356.
Hereditary breast ovarian cancer syndrome. Also called: Hereditary breast and ovarian cancer syndrome (HBOC); Breast and ovarian cancer; Hereditary breast and ovarian cancer syndrome; Hereditary breast and ovarian cancer; Hereditary breast and/or ovarian cancer syndrome; BRCA1- and BRCA2-Associated Hereditary Breast and Ovarian Cancer. Identifiers: Orphanet 145, MedGen C0677776, MeSH D061325, MONDO:0003582. Disease mechanism: loss of function.

Allele frequency attached by ClinVar (database versions not stated): gnomAD exomes below 0.00001.
gnomAD v4.1: 1 of 1,614,170 alleles (0.000062%); highest among the groups gnomAD compares: Non-Finnish European, 0.000085%; no homozygotes.

Submissions (3):

Ambry Genetics
Classification: Uncertain significance for Hereditary cancer-predisposing syndrome. Last evaluated: 2025-09-24. Review status: criteria provided, single submitter. Criteria: Ambry Variant Classification Scheme 2023. Collection method: clinical testing. Allele origin: germline.
Comment: The p.S1320C variant (also known as c.3959C>G), located in coding exon 9 of the BRCA1 gene, results from a C to G substitution at nucleotide position 3959. The serine at codon 1320 is replaced by cysteine, an amino acid with dissimilar properties. This amino acid position is poorly conserved in available vertebrate species. In addition, the in silico prediction for this alteration is inconclusive. Based on the available evidence, the clinical significance of this variant remains unclear.

University of Washington Department of Laboratory Medicine, University of Washington
Classification: Likely benign for Hereditary cancer-predisposing syndrome. Last evaluated: 2023-03-23. Review status: criteria provided, single submitter. Criteria: Dines et al. (Genet Med. 2020). Collection method: curation. Allele origin: germline.
Comment: Missense variant in a coldspot region where missense variants are very unlikely to be pathogenic (PMID:31911673).

BRCA1 coldspot (exon 11 using historical exon numbering). Reclassification based on statistical prior probability

Labcorp Genetics (formerly Invitae), Labcorp
Classification: Uncertain significance for Hereditary breast ovarian cancer syndrome. Last evaluated: 2020-08-10. Review status: criteria provided, single submitter. Criteria: Invitae Variant Classification Sherloc (09022015). Collection method: clinical testing. Allele origin: germline.
Comment: This sequence change replaces serine with cysteine at codon 1320 of the BRCA1 protein (p.Ser1320Cys). The serine residue is weakly conserved and there is a moderate physicochemical difference between serine and cysteine. This variant is not present in population databases (ExAC no frequency). This variant has been reported in individuals in the Leiden Open-source Variation Database (PMID: 21520333). Algorithms developed to predict the effect of missense changes on protein structure and function (SIFT, PolyPhen-2, Align-GVGD) all suggest that this variant is likely to be tolerated, but these predictions have not been confirmed by published functional studies and their clinical significance is uncertain. In summary, the available evidence is currently insufficient to determine the role of this variant in disease. Therefore, it has been classified as a Variant of Uncertain Significance.

Literature cited by the submitters: PubMed 21520333 (cited by Labcorp Genetics (formerly Invitae), Labcorp).